The following is an entry in ClinVar:

ClinVar aggregate classification (germline): Uncertain significance (1 of 4 stars; one submission).

Conditions:
Mitochondrial complex II deficiency, nuclear type 1. Also called: SUCCINATE CoQ REDUCTASE DEFICIENCY. Identifiers: Orphanet 3208, MedGen C5700310, MONDO:0100294, OMIM 252011.
Pheochromocytoma/paraganglioma syndrome 5. Also called: Paragangliomas 5; SDHA-Related Hereditary Paraganglioma-Pheochromocytoma Syndrome. Identifiers: Orphanet 29072, MedGen C3279992, MONDO:0013602, OMIM 614165.

Submission:

Labcorp Genetics (formerly Invitae), Labcorp
Classification: Uncertain significance for Pheochromocytoma/paraganglioma syndrome 5; Mitochondrial complex II deficiency, nuclear type 1. Last evaluated: 2022-04-24. Review status: criteria provided, single submitter. Criteria: Invitae Variant Classification Sherloc (09022015). Collection method: clinical testing. Allele origin: germline.
Comment: In summary, the available evidence is currently insufficient to determine the role of this variant in disease. Therefore, it has been classified as a Variant of Uncertain Significance. Advanced modeling of protein sequence and biophysical properties (such as structural, functional, and spatial information, amino acid conservation, physicochemical variation, residue mobility, and thermodynamic stability) performed at Invitae indicates that this missense variant is not expected to disrupt SDHA protein function. This variant has not been reported in the literature in individuals affected with SDHA-related conditions. This variant is not present in population databases (gnomAD no frequency). This sequence change replaces lysine, which is basic and polar, with asparagine, which is neutral and polar, at codon 361 of the SDHA protein (p.Lys361Asn).

NM_004168.4(SDHA):c.1083A>C (p.Lys361Asn)

Gene: SDHA (succinate dehydrogenase complex flavoprotein subunit A; plus strand). Cytogenetic location: 5p15.33.
Variant type: single nucleotide variant.
Coding change: c.1083A>C on transcript NM_004168.4 (MANE Select); coding-DNA position 1083, A replaced by C.
Protein change: p.Lys361Asn; replaces lysine 361 with asparagine.
Molecular consequence: missense variant.
Genome position (GRCh38, 1-based): chr5:235,162, A>C. VCF-style: chr5-235162-A-C. GRCh37 (hg19) VCF-style: chr5-235277-A-C.
Other names: c.939A>C, p.Lys313Asn (NM_001294332.2); c.1083A>C, p.Lys361Asn (NM_001330758.2); short protein forms K361N, K313N.
Identifiers: ClinVar variation 2129864 (VCV002129864.4), dbSNP rs1579406203, ClinGen allele CA359013416.
Genomic context (GRCh38, chr5:235,162, plus strand): 5'-TTGCCGTTCTCTGCCGTATGTGATGGTGTTCTGTCTTACCAGAGGCTGTGGCCCTGAGAA[A>C]GATCACGTCTACCTGCAGCTGCACCACCTACCTCCAGAGCAGCTGGCCACGCGCCTGCCT-3'
Protein context (NP_004159.2, residues 351-371): IREGRGCGPE[Lys361Asn]DHVYLQLHHL